The following is an entry in ClinVar:

NM_005228.5(EGFR):c.763C>T (p.Arg255Ter)

Gene: EGFR (epidermal growth factor receptor; plus strand). Cytogenetic location: 7p11.2.
Variant type: single nucleotide variant.
Coding change: c.763C>T on transcript NM_005228.5 (MANE Select); coding-DNA position 763, C replaced by T.
Protein change: p.Arg255Ter; replaces arginine 255 with a stop codon.
Molecular consequence: nonsense. On other transcripts: intron variant (1).
Genome position (GRCh38, 1-based): chr7:55,154,026, C>T. VCF-style: chr7-55154026-C-T. GRCh37 (hg19) VCF-style: chr7-55221719-C-T.
Other names: c.628C>T, p.Arg210Ter (NM_001346897.2, NM_001346899.2); c.763C>T, p.Arg255Ter (NM_001346898.2, NM_201282.2, NM_201283.2 and 1 more transcripts); c.604C>T, p.Arg202Ter (NM_001346900.2); c.89-1804C>T (NM_001346941.2); c.763C>T (NM_005228.3); short protein forms R210*, R255*, R202*.
Identifiers: ClinVar variation 1459376 (VCV001459376.7), dbSNP rs776490661, ClinGen allele CA4265357.
Genomic context (GRCh38, chr7:55,154,026, plus strand): 5'-AGTGTACTTACCTCACTTGCCCAGCGTGTCCTCTCTCCTCCATAGGTCTGCCGCAAATTC[C>T]GAGACGAAGCCACGTGCAAGGACACCTGCCCCCCACTCATGCTCTACAACCCCACCACGT-3'

ClinVar aggregate classification (germline): Conflicting classifications of pathogenicity. Review status: criteria provided, conflicting classifications (1 of 4 stars). 2 submissions from 2 submitters: Pathogenic (1); Uncertain significance (1). Last evaluated 2026-02-16.

Conditions:
Hereditary cancer-predisposing syndrome. Also called: Neoplastic Syndromes, Hereditary; Tumor predisposition; Hereditary Cancer Syndrome; Hereditary neoplastic syndrome. Identifiers: Orphanet 140162, MedGen C0027672, MeSH D009386, MONDO:0015356.
EGFR-related lung cancer (EGFR). Identifiers: MedGen CN130014.

Allele frequency attached by ClinVar (database versions not stated): gnomAD exomes below 0.00001; ExAC 0.00001.
gnomAD v4.1: 1 of 1,614,198 alleles (0.000062%); highest among the groups gnomAD compares: Non-Finnish European, 0.000085%; no homozygotes.

Submissions (2):

Ambry Genetics
Classification: Uncertain significance for Hereditary cancer-predisposing syndrome. Last evaluated: 2026-02-16. Review status: criteria provided, single submitter. Criteria: Ambry Variant Classification Scheme 2023. Collection method: clinical testing. Allele origin: germline.
Comment: The p.R255* variant (also known as c.763C>T), located in coding exon 7 of the EGFR gene, results from a C to T substitution at nucleotide position 763. This changes the amino acid from an arginine to a stop codon within coding exon 7. This alteration is expected to result in loss of function by premature protein truncation or nonsense-mediated mRNA decay. Although biallelic loss of function of EGFR are known to cause EGFR-related neonatal inflammatory skin and bowel disease, such associations with EGFR-related lung cancer have not been reported. Based on the supporting evidence, this variant is expected to be causative of EGFR-related neonatal inflammatory skin and bowel disease when present along with a second pathogenic variant on the other allele; however, its clinical significance for EGFR-related lung cancer is unclear.

Labcorp Genetics (formerly Invitae), Labcorp
Classification: Pathogenic for EGFR-related lung cancer. Last evaluated: 2024-07-09. Review status: criteria provided, single submitter. Criteria: Invitae Variant Classification Sherloc (09022015). Collection method: clinical testing. Allele origin: germline.
Comment: This sequence change creates a premature translational stop signal (p.Arg255*) in the EGFR gene. It is expected to result in an absent or disrupted protein product. Loss-of-function variants in EGFR are known to be pathogenic (PMID: 7630400, 28726809, 29899996). This variant is present in population databases (rs776490661, gnomAD 0.0009%). This variant has not been reported in the literature in individuals affected with EGFR-related conditions. ClinVar contains an entry for this variant (Variation ID: 1459376). For these reasons, this variant has been classified as Pathogenic.

Literature cited by the submitters: PubMed 7630400 (cited by Labcorp Genetics (formerly Invitae), Labcorp); PubMed 28726809 (cited by Labcorp Genetics (formerly Invitae), Labcorp); PubMed 29899996 (cited by Labcorp Genetics (formerly Invitae), Labcorp).